The following is an entry in ClinVar:

NM_001854.4(COL11A1):c.356A>G (p.Tyr119Cys)

Gene: COL11A1 (collagen type XI alpha 1 chain; minus strand). Cytogenetic location: 1p21.1.
Variant type: single nucleotide variant.
Coding change: c.356A>G on transcript NM_001854.4 (MANE Select); coding-DNA position 356, A replaced by G.
Protein change: p.Tyr119Cys; replaces tyrosine 119 with cysteine.
Molecular consequence: missense variant. On other transcripts: non-coding transcript variant (1).
Genome position (GRCh38, 1-based): chr1:103,078,790, T>C on the plus strand (A>G on the coding strand, the complement: COL11A1 is on the minus strand). VCF-style: chr1-103078790-T-C. GRCh37 (hg19) VCF-style: chr1-103544346-T-C.
Other names: c.356A>G, p.Tyr119Cys (NM_001190709.2, NM_080629.3, NM_080630.4); short protein forms Y119C.
Identifiers: ClinVar variation 3341059 (VCV003341059.2).

ClinVar aggregate classification (germline): Uncertain significance (1 of 4 stars; one submission).

gnomAD v4.1: 2 of 1,612,686 alleles (0.00012%); highest among the groups gnomAD compares: Non-Finnish European, 0.00017%; no homozygotes.

Submission:

GeneDx
Classification: Uncertain significance. Last evaluated: 2026-10-07. Review status: criteria provided, single submitter. Criteria: GeneDx Variant Classification Process June 2021. Collection method: clinical testing. Allele origin: germline.
Comment: Has not been previously published as pathogenic or benign to our knowledge; Not observed at significant frequency in large population cohorts (gnomAD); In silico analysis supports that this missense variant has a deleterious effect on protein structure/function; Not located in the triple helical region, where the majority of pathogenic missense variants occur (HGMD; PMID: 25240749); This variant is associated with the following publications: (PMID: 25240749)